The following is an entry in ClinVar:

ClinVar aggregate classification (germline): Uncertain significance (1 of 4 stars; one submission).

Submission:

GeneDx
Classification: Uncertain significance. Last evaluated: 2025-04-11. Review status: criteria provided, single submitter. Criteria: GeneDx Variant Classification Process June 2021. Collection method: clinical testing. Allele origin: germline. Affected: yes.
Comment: Not observed at significant frequency in large population cohorts (gnomAD); In silico analysis indicates that this missense variant does not alter protein structure/function; Has not been previously published as pathogenic or benign to our knowledge

NM_003906.5(MCM3AP):c.5638G>A (p.Glu1880Lys)

Genes: MCM3AP-AS1 (MCM3AP antisense RNA 1; plus strand), MCM3AP (minichromosome maintenance complex component 3 associated protein; minus strand). Cytogenetic location: 21q22.3.
Variant type: single nucleotide variant.
Coding change: c.5638G>A on transcript NM_003906.5 (MANE Select); coding-DNA position 5638, G replaced by A.
Protein change: p.Glu1880Lys; replaces glutamic acid 1880 with lysine.
Molecular consequence: missense variant.
Genome position (GRCh38, 1-based): chr21:46,236,975, C>T on the plus strand (G>A on the coding strand, the complement: MCM3AP is on the minus strand). VCF-style: chr21-46236975-C-T. GRCh37 (hg19) VCF-style: chr21-47656889-C-T.
Other names: short protein forms E1880K.
Identifiers: ClinVar variation 4281872 (VCV004281872.1).